The following is an entry in ClinVar:

NM_001384474.1(LOXHD1):c.2813G>A (p.Arg938Lys)

Gene: LOXHD1 (lipoxygenase homology PLAT domains 1; minus strand). Cytogenetic location: 18q21.1.
Variant type: single nucleotide variant.
Coding change: c.2813G>A on transcript NM_001384474.1 (MANE Select); coding-DNA position 2813, G replaced by A.
Protein change: p.Arg938Lys; replaces arginine 938 with lysine.
Molecular consequence: missense variant.
Genome position (GRCh38, 1-based): chr18:46,560,331, C>T on the plus strand (G>A on the coding strand, the complement: LOXHD1 is on the minus strand). VCF-style: chr18-46560331-C-T. GRCh37 (hg19) VCF-style: chr18-44140294-C-T.
Other names: c.2813G>A, p.Arg938Lys (NM_144612.7); short protein forms R938K.
Identifiers: ClinVar variation 92027 (VCV000092027.2), dbSNP rs386352326, ClinGen allele CA232378.

ClinVar aggregate classification (germline): Uncertain significance (0 of 4 stars; one submission).

Submission:

Richard Lifton Laboratory, Yale University School of Medicine
Classification: Uncertain significance. Review status: no assertion criteria provided. Collection method: not provided. Allele origin: somatic.
Comment: LOXHD1
ClinVar note: Converted during submission from unknown to Uncertain significance.